The following is an entry in ClinVar:

NM_017617.5(NOTCH1):c.2416T>A (p.Cys806Ser)

Gene: NOTCH1 (notch receptor 1; minus strand). Cytogenetic location: 9q34.3.
Variant type: single nucleotide variant.
Coding change: c.2416T>A on transcript NM_017617.5 (MANE Select); coding-DNA position 2416, T replaced by A.
Protein change: p.Cys806Ser; replaces cysteine 806 with serine.
Molecular consequence: missense variant.
Genome position (GRCh38, 1-based): chr9:136,513,072, A>T on the plus strand (T>A on the coding strand, the complement: NOTCH1 is on the minus strand). VCF-style: chr9-136513072-A-T. GRCh37 (hg19) VCF-style: chr9-139407524-A-T.
Other names: short protein forms C806S.
Identifiers: ClinVar variation 1463416 (VCV001463416.8), dbSNP rs1805487567, ClinGen allele CA375556504.

ClinVar aggregate classification (germline): Uncertain significance (1 of 4 stars; one submission).

Conditions:
Adams-Oliver syndrome 5 (AOS5). Identifiers: Orphanet 974, MedGen C4014970, MONDO:0014459, OMIM 616028.

Allele frequency attached by ClinVar (database versions not stated): TOPMed below 0.00001.

Submission:

Labcorp Genetics (formerly Invitae), Labcorp
Classification: Uncertain significance for Adams-Oliver syndrome 5. Last evaluated: 2022-02-10. Review status: criteria provided, single submitter. Criteria: Invitae Variant Classification Sherloc (09022015). Collection method: clinical testing. Allele origin: germline.
Comment: In summary, the available evidence is currently insufficient to determine the role of this variant in disease. Therefore, it has been classified as a Variant of Uncertain Significance. Advanced modeling of protein sequence and biophysical properties (such as structural, functional, and spatial information, amino acid conservation, physicochemical variation, residue mobility, and thermodynamic stability) performed at Invitae indicates that this missense variant is expected to disrupt NOTCH1 protein function. This variant has not been reported in the literature in individuals affected with NOTCH1-related conditions. This variant is not present in population databases (gnomAD no frequency). This sequence change replaces cysteine, which is neutral and slightly polar, with serine, which is neutral and polar, at codon 806 of the NOTCH1 protein (p.Cys806Ser).